The following is an entry in ClinVar:

ClinVar aggregate classification (germline): Uncertain significance (1 of 4 stars; one submission).

Submission:

Labcorp Genetics (formerly Invitae), Labcorp
Classification: Uncertain significance. Last evaluated: 2022-04-11. Review status: criteria provided, single submitter. Criteria: Invitae Variant Classification Sherloc (09022015). Collection method: clinical testing. Allele origin: germline.
Comment: Algorithms developed to predict the effect of missense changes on protein structure and function are either unavailable or do not agree on the potential impact of this missense change (SIFT: "Deleterious"; PolyPhen-2: "Probably Damaging"; Align-GVGD: "Class C0"). In summary, the available evidence is currently insufficient to determine the role of this variant in disease. Therefore, it has been classified as a Variant of Uncertain Significance. This variant has not been reported in the literature in individuals affected with SIN3A-related conditions. This sequence change replaces arginine, which is basic and polar, with proline, which is neutral and non-polar, at codon 167 of the SIN3A protein (p.Arg167Pro). This variant is not present in population databases (gnomAD no frequency).

NM_001145358.2(SIN3A):c.500G>C (p.Arg167Pro)

Gene: SIN3A (SIN3 transcription regulator family member A; minus strand). Cytogenetic location: 15q24.2.
Variant type: single nucleotide variant.
Coding change: c.500G>C on transcript NM_001145358.2 (MANE Select); coding-DNA position 500, G replaced by C.
Protein change: p.Arg167Pro; replaces arginine 167 with proline.
Molecular consequence: missense variant.
Genome position (GRCh38, 1-based): chr15:75,413,019, C>G on the plus strand (G>C on the coding strand, the complement: SIN3A is on the minus strand). VCF-style: chr15-75413019-C-G. GRCh37 (hg19) VCF-style: chr15-75705360-C-G.
Other names: c.500G>C, p.Arg167Pro (NM_001145357.2, NM_015477.3); short protein forms R167P.
Identifiers: ClinVar variation 2124773 (VCV002124773.4), dbSNP rs752788557, ClinGen allele CA393451974.
Genomic context (GRCh38, chr15:75,413,019, plus strand): 5'-GGCAAGAAGGTGTTGAATCCCATTATCAGATCGGGGTGGCCTTTGAATAGCTGGGACACA[C>G]GACTAATCACTCCTGGGGTGTCGATGCTGATAAAAAACAAAAAGAAAAGTGATAAACTGT-3'
Protein context (NP_001138830.1, residues 157-177): QSIDTPGVIS[Arg167Pro]VSQLFKGHPD